The following is an entry in ClinVar:

NM_001349206.2(LPIN1):c.716C>A (p.Thr239Asn)

Gene: LPIN1 (lipin 1; plus strand). Cytogenetic location: 2p25.1.
Variant type: single nucleotide variant.
Coding change: c.716C>A on transcript NM_001349206.2 (MANE Select); coding-DNA position 716, C replaced by A.
Protein change: p.Thr239Asn; replaces threonine 239 with asparagine.
Molecular consequence: missense variant. On other transcripts: non-coding transcript variant (1).
Genome position (GRCh38, 1-based): chr2:11,773,739, C>A. VCF-style: chr2-11773739-C-A. GRCh37 (hg19) VCF-style: chr2-11913865-C-A.
Other names: c.734C>A, p.Thr245Asn (NM_001261427.3); c.863C>A, p.Thr288Asn (NM_001261428.3, NM_001349208.2); c.716C>A, p.Thr239Asn (NM_001349199.2, NM_001349200.2, NM_001349201.2 and 5 more transcripts); c.806C>A, p.Thr269Asn (NM_001349207.2); short protein forms T245N, T288N, T239N, T269N.
Identifiers: ClinVar variation 2177630 (VCV002177630.1), dbSNP rs1208248602, ClinGen allele CA345854402.
Genomic context (GRCh38, chr2:11,773,739, plus strand): 5'-TGGCTGTGATTTACCCTCAGTCAGCCTCATACCCTAATTCGGATAGAGAGTGGTCACCCA[C>A]TCCCAGGTAAGCTGTTCCCTGTTCCCCTGGCCCAGTGCAGAGGCTTAGAAGTCAGTGATA-3'
Protein context (NP_001336135.1, residues 229-249): YPNSDREWSP[Thr239Asn]PSSLVDCKRT

ClinVar aggregate classification (germline): Uncertain significance (1 of 4 stars; one submission).

Allele frequency attached by ClinVar (database versions not stated): TOPMed 0.00002.
gnomAD v4.1: 2 of 1,614,144 alleles (0.00012%); highest among the groups gnomAD compares: Admixed American, 0.0033%; no homozygotes.

Submission:

Labcorp Genetics (formerly Invitae), Labcorp
Classification: Uncertain significance. Last evaluated: 2022-03-22. Review status: criteria provided, single submitter. Criteria: Invitae Variant Classification Sherloc (09022015). Collection method: clinical testing. Allele origin: germline.
Comment: This sequence change replaces threonine, which is neutral and polar, with asparagine, which is neutral and polar, at codon 239 of the LPIN1 protein (p.Thr239Asn). This variant is not present in population databases (gnomAD no frequency). This variant has not been reported in the literature in individuals affected with LPIN1-related conditions. Algorithms developed to predict the effect of missense changes on protein structure and function output the following: SIFT: "Tolerated"; PolyPhen-2: "Benign"; Align-GVGD: "Class C0". The asparagine amino acid residue is found in multiple mammalian species, which suggests that this missense change does not adversely affect protein function. In summary, the available evidence is currently insufficient to determine the role of this variant in disease. Therefore, it has been classified as a Variant of Uncertain Significance.